The following is an entry in ClinVar:

NM_020964.3(EPG5):c.3014C>T (p.Thr1005Met)

Gene: EPG5 (ectopic P-granules 5 autophagy tethering factor; minus strand). Cytogenetic location: 18q21.1.
Variant type: single nucleotide variant.
Coding change: c.3014C>T on transcript NM_020964.3 (MANE Select); coding-DNA position 3014, C replaced by T.
Protein change: p.Thr1005Met; replaces threonine 1005 with methionine.
Molecular consequence: missense variant.
Genome position (GRCh38, 1-based): chr18:45,922,425, G>A on the plus strand (C>T on the coding strand, the complement: EPG5 is on the minus strand). VCF-style: chr18-45922425-G-A. GRCh37 (hg19) VCF-style: chr18-43502391-G-A.
Other names: c.3014C>T, p.Thr1005Met (LRG_1234t1); short protein forms T1005M.
Identifiers: ClinVar variation 649976 (VCV000649976.10), dbSNP rs890699630, ClinGen allele CA299768065.
Genomic context (GRCh38, chr18:45,922,425, plus strand): 5'-AAGGCTAGATAACAGCCAATGGGCATGCCCGCTTTCACAGCCTTCAAGAGAGGATGAAAC[G>A]TGGGTGACTCTGTCATGTCAGGCACAGTGACGGAGAAGGGAACAGCTGGACAATTCGGCT-3'
Protein context (NP_066015.2, residues 995-1015): VTVPDMTESP[Thr1005Met]FHPLLKAVKA

ClinVar aggregate classification (germline): Uncertain significance. Review status: criteria provided, multiple submitters, no conflicts (2 of 4 stars). 2 submissions from 2 submitters: Uncertain significance (2). Last evaluated 2022-02-22.

Conditions:
Vici syndrome (VICIS). Identifiers: Orphanet 1493, MedGen C1855772, MONDO:0009452, OMIM 242840.

Allele frequency attached by ClinVar (database versions not stated): gnomAD exomes 0.00001; gnomAD 0.00002 and 0.00003; TOPMed 0.00003; 1000 Genomes Project 30x 0.00031.
gnomAD v4.1: 17 of 1,614,200 alleles (0.0011%); highest among the groups gnomAD compares: Middle Eastern, 0.016%; no homozygotes.

Submissions (2):

Labcorp Genetics (formerly Invitae), Labcorp
Classification: Uncertain significance for Vici syndrome. Last evaluated: 2022-02-22. Review status: criteria provided, single submitter. Criteria: Invitae Variant Classification Sherloc (09022015). Collection method: clinical testing. Allele origin: germline.
Comment: This sequence change replaces threonine, which is neutral and polar, with methionine, which is neutral and non-polar, at codon 1005 of the EPG5 protein (p.Thr1005Met). This variant is present in population databases (no rsID available, gnomAD 0.007%). This variant has not been reported in the literature in individuals affected with EPG5-related conditions. ClinVar contains an entry for this variant (Variation ID: 649976). Algorithms developed to predict the effect of missense changes on protein structure and function output the following: SIFT: "Tolerated"; PolyPhen-2: "Benign"; Align-GVGD: "Class C0". The methionine amino acid residue is found in multiple mammalian species, which suggests that this missense change does not adversely affect protein function. In summary, the available evidence is currently insufficient to determine the role of this variant in disease. Therefore, it has been classified as a Variant of Uncertain Significance.

New York Genome Center
Classification: Uncertain significance for Vici syndrome. Last evaluated: 2020-05-12. Review status: criteria provided, single submitter. Criteria: NYGC Assertion Criteria 2020. Collection method: clinical testing. Allele origin: germline. Inheritance: Autosomal recessive inheritance. Observed: 1 heterozygote. Study: CSER-NYCKidSeq.